The following is an entry in ClinVar:

ClinVar aggregate classification (germline): Uncertain significance. Review status: criteria provided, multiple submitters, no conflicts (2 of 4 stars). 2 submissions from 2 submitters: Uncertain significance (2). Last evaluated 2025-05-01.

Conditions:
Inborn genetic diseases. Identifiers: MedGen C0950123, MeSH D030342.

Allele frequency attached by ClinVar (database versions not stated): gnomAD 0.00004.
gnomAD v4.1: 11 of 1,613,192 alleles (0.00068%); highest among the groups gnomAD compares: African/African-American, 0.012%; no homozygotes.

Submissions (2):

Ambry Genetics
Classification: Uncertain significance for Inborn genetic diseases. Last evaluated: 2025-05-01. Review status: criteria provided, single submitter. Criteria: Ambry Variant Classification Scheme 2023. Collection method: clinical testing. Allele origin: germline.

Labcorp Genetics (formerly Invitae), Labcorp
Classification: Uncertain significance. Last evaluated: 2022-08-07. Review status: criteria provided, single submitter. Criteria: Invitae Variant Classification Sherloc (09022015). Collection method: clinical testing. Allele origin: germline.
Comment: In summary, the available evidence is currently insufficient to determine the role of this variant in disease. Therefore, it has been classified as a Variant of Uncertain Significance. Advanced modeling of protein sequence and biophysical properties (such as structural, functional, and spatial information, amino acid conservation, physicochemical variation, residue mobility, and thermodynamic stability) performed at Invitae indicates that this missense variant is expected to disrupt COMP protein function. This variant has not been reported in the literature in individuals affected with COMP-related conditions. This variant is present in population databases (rs375332869, gnomAD 0.02%). This sequence change replaces glycine, which is neutral and non-polar, with alanine, which is neutral and non-polar, at codon 307 of the COMP protein (p.Gly307Ala).

NM_000095.3(COMP):c.920G>C (p.Gly307Ala)

Gene: COMP (cartilage oligomeric matrix protein; minus strand). Cytogenetic location: 19p13.11.
Variant type: single nucleotide variant.
Coding change: c.920G>C on transcript NM_000095.3 (MANE Select); coding-DNA position 920, G replaced by C.
Protein change: p.Gly307Ala; replaces glycine 307 with alanine.
Molecular consequence: missense variant.
Genome position (GRCh38, 1-based): chr19:18,788,267, C>G on the plus strand (G>C on the coding strand, the complement: COMP is on the minus strand). VCF-style: chr19-18788267-C-G. GRCh37 (hg19) VCF-style: chr19-18899076-C-G.
Other names: c.920G>C (NM_000095.2); short protein forms G307A.
Identifiers: ClinVar variation 1980424 (VCV001980424.5), dbSNP rs375332869, ClinGen allele CA9316587.